The following is an entry in ClinVar:

NM_003839.4(TNFRSF11A):c.1375C>A (p.Pro459Thr)

Gene: TNFRSF11A (TNF receptor superfamily member 11a; plus strand). Cytogenetic location: 18q21.33.
Variant type: single nucleotide variant.
Coding change: c.1375C>A on transcript NM_003839.4 (MANE Select); coding-DNA position 1375, C replaced by A.
Protein change: p.Pro459Thr; replaces proline 459 with threonine.
Molecular consequence: missense variant. On other transcripts: intron variant (3).
Genome position (GRCh38, 1-based): chr18:62,369,292, C>A. VCF-style: chr18-62369292-C-A. GRCh37 (hg19) VCF-style: chr18-60036525-C-A.
Other names: c.1333C>A, p.Pro445Thr (NM_001278268.2); c.783+2532C>A (NM_001270949.2); c.730+7499C>A (NM_001270950.2); c.616+9243C>A (NM_001270951.2); short protein forms P459T, P445T.
Identifiers: ClinVar variation 3662722 (VCV003662722.2).

ClinVar aggregate classification (germline): Uncertain significance (1 of 4 stars; one submission).

gnomAD v4.1: 1 of 1,612,138 alleles (0.000062%); highest among the groups gnomAD compares: Non-Finnish European, 0.000085%; no homozygotes.

Submission:

Labcorp Genetics (formerly Invitae), Labcorp
Classification: Uncertain significance. Last evaluated: 2024-08-17. Review status: criteria provided, single submitter. Criteria: Invitae Variant Classification Sherloc (09022015). Collection method: clinical testing. Allele origin: germline.
Comment: This sequence change replaces proline, which is neutral and non-polar, with threonine, which is neutral and polar, at codon 459 of the TNFRSF11A protein (p.Pro459Thr). This variant is not present in population databases (gnomAD no frequency). This variant has not been reported in the literature in individuals affected with TNFRSF11A-related conditions. An algorithm developed to predict the effect of missense changes on protein structure and function (PolyPhen-2) suggests that this variant is likely to be tolerated. In summary, the available evidence is currently insufficient to determine the role of this variant in disease. Therefore, it has been classified as a Variant of Uncertain Significance.